The following is an entry in ClinVar:

NM_000038.6(APC):c.-19+4059C>T

Gene: APC (APC regulator of WNT signaling pathway; plus strand). Cytogenetic location: 5q22.2.
Variant type: single nucleotide variant.
Coding change: c.-19+4059C>T on transcript NM_000038.6 (MANE Select); 4059 bases into the intron after 19 bases upstream of the start codon, C replaced by T.
Molecular consequence: intron variant.
Genome position (GRCh38, 1-based): chr5:112,741,984, C>T. VCF-style: chr5-112741984-C-T. GRCh37 (hg19) VCF-style: chr5-112077681-C-T.
Other names: c.-18-12889C>T (NM_001354895.2); c.166-24342C>T (NM_001354897.2, NM_001354902.2, NM_001127511.3); c.-19+3524C>T (NM_001127510.3); c.60+3524C>T (NM_001354898.2, NM_001354904.2); c.-1054+4059C>T (NM_001354906.2); c.-19+4059C>T (NM_001354896.2, NM_001354903.2, NM_001354899.2); c.-43+4059C>T (NM_001354900.2, NM_001354901.2, NM_001354905.2).
Identifiers: ClinVar variation 82759 (VCV000082759.2), dbSNP rs7706623, ClinGen allele CA006475.
Genomic context (GRCh38, chr5:112,741,984, plus strand): 5'-GTTCATCCATACTGTAGCCATGTGTCAGAATTTCTTTCCTTTTTAGGTCTAAATGATGTT[C>T]CATTGCATGTATATGCCACATTTTGTTCATTCATCTGTCAGTGGACACTTCAGGTTGTTT-3'

ClinVar aggregate classification (germline): other (0 of 4 stars; one submission).

Conditions:
Familial colorectal cancer. Identifiers: MedGen CN280943, MONDO:0023113. Disease mechanism: loss of function.

Allele frequency attached by ClinVar (database versions not stated): 1000 Genomes Project 30x 0.14163; 1000 Genomes Project 0.14257; gnomAD 0.10065 and 0.10344; TOPMed 0.11342.
gnomAD v4.1: 15,233 of 152,182 alleles (10%); highest among the groups gnomAD compares: African/African-American, 27%; 1,682 homozygotes.

Submission:

Systems Biology Platform Zhejiang California International NanoSystems Institute
Classification: other for Familial colorectal cancer. Review status: no assertion criteria provided. Collection method: not provided. Allele origin: unknown.
ClinVar note: Converted during submission from cancer to other.